The following is an entry in ClinVar:

NM_002435.3(MPI):c.1252C>T (p.Arg418Cys)

Gene: MPI (mannose phosphate isomerase; plus strand). Cytogenetic location: 15q24.1.
Variant type: single nucleotide variant.
Coding change: c.1252C>T on transcript NM_002435.3 (MANE Select); coding-DNA position 1252, C replaced by T.
Protein change: p.Arg418Cys; replaces arginine 418 with cysteine.
Molecular consequence: missense variant. On other transcripts: 3 prime UTR variant (1).
Genome position (GRCh38, 1-based): chr15:74,897,710, C>T. VCF-style: chr15-74897710-C-T. GRCh37 (hg19) VCF-style: chr15-75190051-C-T.
Other names: c.*179C>T (NM_001289155.2); c.1102C>T, p.Arg368Cys (NM_001289156.2); c.1069C>T, p.Arg357Cys (NM_001289157.2); c.1192C>T, p.Arg398Cys (NM_001330372.2); short protein forms R357C, R368C, R398C, R418C.
Identifiers: ClinVar variation 3358349 (VCV003358349.3).
Genomic context (GRCh38, chr15:74,897,710, plus strand): 5'-ATTGGGGCCAATGAGAGTGTCTCACTGAAGCTTACTGAGCCGAAGGACCTGCTGATATTC[C>T]GTGCCTGCTGTCTGCTGTAAAGGCTGCAGCCTCCCCAGCTCTCCTCTGCCAGCCACCCTA-3'
Protein context (NP_002426.1, residues 408-423): LTEPKDLLIF[Arg418Cys]ACCLL

ClinVar aggregate classification (germline): Conflicting classifications of pathogenicity. Review status: criteria provided, conflicting classifications (1 of 4 stars). 3 submissions from 3 submitters: Likely pathogenic (1); Uncertain significance (1). 1 of the submissions does not count toward it. Last evaluated 2026-07-01.

Conditions:
MPI-related disorder. Also called: MPI-related condition.
MPI-congenital disorder of glycosylation. Also called: MPI DEFICIENCY; CONGENITAL DISORDER OF GLYCOSYLATION, TYPE Ib; CDG Ib; MANNOSEPHOSPHATE ISOMERASE DEFICIENCY; PROTEIN-LOSING ENTEROPATHY-HEPATIC FIBROSIS SYNDROME; MPI-CDG. Identifiers: Orphanet 79319, MedGen C1865145, MONDO:0011257, OMIM 602579.

gnomAD v4.1: 35 of 1,613,972 alleles (0.0022%); highest among the groups gnomAD compares: Middle Eastern, 0.017%; no homozygotes.

Submissions (3):

Myriad Genetics, Inc.
Classification: Uncertain significance for MPI-congenital disorder of glycosylation. Last evaluated: 2026-07-01. Review status: criteria provided, single submitter. Criteria: Myriad Autosomal Dominant, Autosomal Recessive and X-Linked Classification Criteria (2023). Collection method: clinical testing. Allele origin: unknown.
Comment: NM_002435.1(MPI):c.1252C>T(R418C) is a missense variant classified as a variant of uncertain significance in the context of congenital disorder of glycosylation, MPI-related. R418C has been observed in cases with relevant disease (PMID: 19862844, 33098580). Relevant functional assessments of this variant are not available in the literature. R418C has been observed in referenced population frequency databases. In summary, there is insufficient evidence to classify NM_002435.1(MPI):c.1252C>T(R418C) as pathogenic or benign. Please note: this variant was assessed in the context of healthy population screening.

Natera, Inc.
Classification: Likely pathogenic for Congenital disorder of glycosylation type 1b. Last evaluated: 2025-04-14. Review status: criteria provided, single submitter. Criteria: Natera Variant Classification Schema (03/2026). Collection method: clinical testing. Allele origin: germline.
Comment: The c.1252C>T variant in MPI is a missense variant predicted to cause substitution of arginine to cysteine at amino acid 418. This variant is rare in the general population with a frequency below the threshold expected for the associated phenotype(s). This variant has been observed in one or more individuals affected with the associated recessive disease, as either homozygous or compound heterozygous with a second variant (PMID: 33098580). A different variant at the same position has been determined to be Pathogenic or Likely Pathogenic. Computational prediction algorithms indicate this variant is likely to affect gene or protein function. Given the available evidence, this variant is classified as Likely Pathogenic.

PreventionGenetics, part of Exact Sciences
Classification: Likely pathogenic for MPI-related condition. Last evaluated: 2024-07-03. Review status: no assertion criteria provided. Collection method: clinical testing. Allele origin: germline. Not counted in ClinVar's aggregate classification.
Comment: The MPI c.1252C>T variant is predicted to result in the amino acid substitution p.Arg418Cys. This variant has been reported in a cohort study of individuals with congenital disorders of glycosylation (Table S2, Haeuptle et al. 2009. PubMed ID: 19862844). An alternate substitution of this amino acid residue (p.Arg418His) has been reported in the compound heterozygous state in an individual with a congenital disorder of glycosylation (Kane et al. 2016. PubMed ID: 26805780) and is classified as pathogenic in Clinvar. This variant is reported in 0.0080% of alleles in individuals of European (Finnish) descent in gnomAD. Given the evidence, we interpret this variant as likely pathogenic.

Literature cited by the submitters: PubMed 19862844 (cited by Myriad Genetics, Inc.); PubMed 33098580 (cited by Myriad Genetics, Inc. and Natera, Inc.).